The following is an entry in ClinVar:

NM_001844.5(COL2A1):c.213C>T (p.Asp71=)

Gene: COL2A1 (collagen type II alpha 1 chain; minus strand). Cytogenetic location: 12q13.11.
Variant type: single nucleotide variant.
Coding change: c.213C>T on transcript NM_001844.5 (MANE Select); coding-DNA position 213, C replaced by T.
Protein change: p.Asp71=; no amino-acid change (aspartic acid 71 retained).
Molecular consequence: synonymous variant. On other transcripts: intron variant (1).
Genome position (GRCh38, 1-based): chr12:47,999,998, G>A on the plus strand (C>T on the coding strand, the complement: COL2A1 is on the minus strand). VCF-style: chr12-47999998-G-A. GRCh37 (hg19) VCF-style: chr12-48393781-G-A.
Other names: c.86-1567C>T (NM_033150.3).
Identifiers: ClinVar variation 195149 (VCV000195149.69), dbSNP rs112469769, ClinGen allele CA201596.
Genomic context (GRCh38, chr12:47,999,998, plus strand): 5'-AGTTGGGCAGATGGGGCAGCACTCTCCGAAGGGGATCTCAGGGCTGAGGCAGTCTTTCAC[G>A]TCTTCACAGATTATGTCGTCGCAGAGGACAGTCCCAGTGTCACAGACACAGATCCGGCAG-3'
Protein context (NP_001835.3, residues 61-81): TVLCDDIICE[Asp71=]VKDCLSPEIP

ClinVar aggregate classification (germline): Benign/Likely benign. Review status: criteria provided, multiple submitters, no conflicts (2 of 4 stars). 17 submissions from 16 submitters: Benign (9); Likely benign (4). 4 of the submissions do not count toward it. Last evaluated 2026-08-01.

Conditions:
Connective tissue disorder. Also called: Connective tissue disease. Identifiers: MedGen C0009782, MONDO:0003900.
Type 2 collagenopathy. Identifiers: Orphanet 93421, MedGen C2931073, MONDO:0022800.
Stickler syndrome type 1 (STL1). Also called: STICKLER SYNDROME, MEMBRANOUS VITREOUS TYPE; STICKLER SYNDROME, VITREOUS TYPE 1; ARTHROOPHTHALMOPATHY, HEREDITARY PROGRESSIVE; COL2A1-Related Stickler Syndrome. Identifiers: Orphanet 828, Orphanet 90653, MedGen C2020284, MONDO:0007160, OMIM 108300.

Allele frequency attached by ClinVar (database versions not stated): 1000 Genomes Project 30x 0.00297; 1000 Genomes Project 0.00319; TOPMed 0.00536; ESP Exome Variant Server 0.00592; gnomAD exomes 0.00622 and 0.00827; ExAC 0.00641; gnomAD 0.00709 and 0.00730.
gnomAD v4.1: 13,024 of 1,614,150 alleles (0.81%); highest among the groups gnomAD compares: Non-Finnish European, 0.95%; 85 homozygotes.

Submissions (17):

CeGaT Center for Human Genetics Tuebingen
Classification: Benign. Last evaluated: 2026-08-01. Review status: criteria provided, single submitter. Criteria: CeGaT Center For Human Genetics Tuebingen Variant Classification Criteria Version 2. Collection method: clinical testing. Allele origin: germline. Affected: yes. Observed: 45 variant alleles.
Comment: COL2A1: BP4, BP7, BS1, BS2

Women's Health and Genetics/Laboratory Corporation of America, LabCorp
Classification: Benign. Last evaluated: 2026-05-11. Review status: criteria provided, single submitter. Criteria: LabCorp Variant Classification Summary - May 2015. Collection method: clinical testing. Allele origin: germline.

Labcorp Genetics (formerly Invitae), Labcorp
Classification: Benign. Last evaluated: 2026-02-04. Review status: criteria provided, single submitter. Criteria: Invitae Variant Classification Sherloc (09022015). Collection method: clinical testing. Allele origin: germline.

ARUP Laboratories, Molecular Genetics and Genomics, ARUP Laboratories
Classification: Benign. Last evaluated: 2025-02-07. Review status: criteria provided, single submitter. Criteria: ARUP Molecular Germline Variant Investigation Process 2024. Collection method: clinical testing. Allele origin: germline.

Blueprint Genetics
Classification: Likely benign. Last evaluated: 2024-11-26. Review status: criteria provided, single submitter. Criteria: ACMG Guidelines, 2015. Collection method: clinical testing. Allele origin: germline.

Genome Diagnostics Laboratory, The Hospital for Sick Children
Classification: Benign for Connective tissue disorder. Last evaluated: 2021-10-07. Review status: criteria provided, single submitter. Criteria: ACMG Guidelines, 2015. Collection method: clinical testing. Allele origin: germline.

Athena Diagnostics
Classification: Benign. Last evaluated: 2019-03-11. Review status: criteria provided, single submitter. Criteria: Athena Diagnostics Criteria. Collection method: clinical testing. Allele origin: germline.

Illumina Laboratory Services, Illumina
Classification: Benign for Type II Collagenopathies. Last evaluated: 2018-01-12. Review status: criteria provided, single submitter. Criteria: ICSL Variant Classification Criteria 13 December 2019. Collection method: clinical testing. Allele origin: germline.
Comment: This variant was observed in the ICSL laboratory as part of a predisposition screen in an ostensibly healthy population. It had not been previously curated by ICSL or reported in the Human Gene Mutation Database (HGMD: prior to June 1st, 2018), and was therefore a candidate for classification through an automated scoring system. Utilizing variant allele frequency, disease prevalence and penetrance estimates, and inheritance mode, an automated score was calculated to assess if this variant is too frequent to cause the disease. Based on the score and internal cut-off values, a variant classified as benign is not then subjected to further curation. The score for this variant resulted in a classification of benign for this disease.

Illumina Laboratory Services, Illumina
Classification: Likely benign for Stickler syndrome type 1. Last evaluated: 2018-01-12. Review status: criteria provided, single submitter. Criteria: ICSL Variant Classification Criteria 13 December 2019. Collection method: clinical testing. Allele origin: germline.
Comment: This variant was observed in the ICSL laboratory as part of a predisposition screen in an ostensibly healthy population. It had not been previously curated by ICSL or reported in the Human Gene Mutation Database (HGMD: prior to June 1st, 2018), and was therefore a candidate for classification through an automated scoring system. Utilizing variant allele frequency, disease prevalence and penetrance estimates, and inheritance mode, an automated score was calculated to assess if this variant is too frequent to cause the disease. Based on the score and internal cut-off values, a variant classified as likely benign is not then subjected to further curation. The score for this variant resulted in a classification of likely benign for this disease.

GeneDx
Classification: Benign. Last evaluated: 2017-02-06. Review status: criteria provided, single submitter. Criteria: GeneDx Variant Classification (06012015). Collection method: clinical testing. Allele origin: germline. Affected: yes.
Comment: This variant is considered likely benign or benign based on one or more of the following criteria: it is a conservative change, it occurs at a poorly conserved position in the protein, it is predicted to be benign by multiple in silico algorithms, and/or has population frequency not consistent with disease.

Eurofins Ntd Llc (ga)
Classification: Benign. Last evaluated: 2015-05-05. Review status: criteria provided, single submitter. Criteria: EGL Classification Definitions 2015. Collection method: clinical testing. Allele origin: germline. Observed: 2 variant alleles, 2 heterozygotes.

Breakthrough Genomics
Classification: Likely benign. Review status: criteria provided, single submitter. Criteria: ACMG Guidelines, 2015. Collection method: not provided. Allele origin: germline. Inheritance: Autosomal dominant inheritance. Affected: yes.

PreventionGenetics, part of Exact Sciences
Classification: Likely benign. Review status: criteria provided, single submitter. Criteria: ACMG Guidelines, 2015. Collection method: clinical testing. Allele origin: germline.

Clinical Genetics DNA and cytogenetics Diagnostics Lab, Erasmus MC, Erasmus Medical Center
Classification: Likely benign. Review status: no assertion criteria provided. Collection method: clinical testing. Allele origin: germline. Affected: yes. Study: VKGL Data-share Consensus. Not counted in ClinVar's aggregate classification.

Genome Diagnostics Laboratory, Amsterdam University Medical Center
Classification: Benign. Review status: no assertion criteria provided. Collection method: clinical testing. Allele origin: germline. Affected: yes. Study: VKGL Data-share Consensus. Not counted in ClinVar's aggregate classification.

Joint Genome Diagnostic Labs from Nijmegen and Maastricht, Radboudumc and MUMC+
Classification: Benign. Review status: no assertion criteria provided. Collection method: clinical testing. Allele origin: germline. Affected: yes. Study: VKGL Data-share Consensus. Not counted in ClinVar's aggregate classification.

Laboratory of Diagnostic Genome Analysis, Leiden University Medical Center (LUMC)
Classification: Likely benign. Review status: no assertion criteria provided. Collection method: clinical testing. Allele origin: germline. Affected: yes. Study: VKGL Data-share Consensus. Not counted in ClinVar's aggregate classification.